The following is an entry in ClinVar:

NM_004371.4(COPA):c.1298A>G (p.His433Arg)

Gene: COPA (coat protein complex I subunit alpha; minus strand). Cytogenetic location: 1q23.2.
Variant type: single nucleotide variant.
Coding change: c.1298A>G on transcript NM_004371.4 (MANE Select); coding-DNA position 1298, A replaced by G.
Protein change: p.His433Arg; replaces histidine 433 with arginine.
Molecular consequence: missense variant.
Genome position (GRCh38, 1-based): chr1:160,307,167, T>C on the plus strand (A>G on the coding strand, the complement: COPA is on the minus strand). VCF-style: chr1-160307167-T-C. GRCh37 (hg19) VCF-style: chr1-160276957-T-C.
Other names: c.1298A>G, p.His433Arg (NM_001098398.2); short protein forms H433R.
Identifiers: ClinVar variation 4703074 (VCV004703074.1).
Genomic context (GRCh38, chr1:160,307,167, plus strand): 5'-ACAGGCCACTGCCACCACACTCCCCAAATTAGTTTCTGCTTTTAGTCTTAACTCACCGAA[T>C]GCATCCGATCTAGGACAGCAAACCGATTTCGAGCGACCCAAACGGCTGTCAGGCCTGAGG-3'
Protein context (NP_004362.2, residues 423-443): RNRFAVLDRM[His433Arg]SLLIKNLKNE

ClinVar aggregate classification (germline): Uncertain significance (1 of 4 stars; one submission).

Conditions:
Autoimmune interstitial lung disease-arthritis syndrome. Also called: Autoinflammation and autoimmunity, systemic, with immune dysregulation. Identifiers: Orphanet 444092, MedGen C5975714, MONDO:0014629.

gnomAD v4.1: 2 of 1,614,110 alleles (0.00012%); highest among the groups gnomAD compares: Non-Finnish European, 0.00017%; no homozygotes.

Submission:

Labcorp Genetics (formerly Invitae), Labcorp
Classification: Uncertain significance for Autoimmune interstitial lung disease-arthritis syndrome. Last evaluated: 2025-07-31. Review status: criteria provided, single submitter. Criteria: Invitae Variant Classification Sherloc (09022015). Collection method: clinical testing. Allele origin: germline.
Comment: This sequence change replaces histidine, which is basic and polar, with arginine, which is basic and polar, at codon 433 of the COPA protein (p.His433Arg). This variant is present in population databases (rs766354950, gnomAD 0.0009%). This variant has not been reported in the literature in individuals affected with COPA-related conditions. Invitae Evidence Modeling of protein sequence and biophysical properties (such as structural, functional, and spatial information, amino acid conservation, physicochemical variation, residue mobility, and thermodynamic stability) indicates that this missense variant is not expected to disrupt COPA protein function with a negative predictive value of 80%. In summary, the available evidence is currently insufficient to determine the role of this variant in disease. Therefore, it has been classified as a Variant of Uncertain Significance.